The following is an entry in ClinVar:

NM_001130144.3(LTBP3):c.1634G>A (p.Arg545His)

Gene: LTBP3 (latent transforming growth factor beta binding protein 3; minus strand). Cytogenetic location: 11q13.1.
Variant type: single nucleotide variant.
Coding change: c.1634G>A on transcript NM_001130144.3 (MANE Select); coding-DNA position 1634, G replaced by A.
Protein change: p.Arg545His; replaces arginine 545 with histidine.
Molecular consequence: missense variant.
Genome position (GRCh38, 1-based): chr11:65,551,212, C>T on the plus strand (G>A on the coding strand, the complement: LTBP3 is on the minus strand). VCF-style: chr11-65551212-C-T. GRCh37 (hg19) VCF-style: chr11-65318683-C-T.
Other names: c.1283G>A, p.Arg428His (NM_001164266.1); c.1634G>A, p.Arg545His (NM_021070.4); short protein forms R428H, R545H.
Identifiers: ClinVar variation 1473804 (VCV001473804.11), dbSNP rs986091498, ClinGen allele CA223968496.

ClinVar aggregate classification (germline): Uncertain significance. Review status: criteria provided, multiple submitters, no conflicts (2 of 4 stars). 2 submissions from 2 submitters: Uncertain significance (2). Last evaluated 2022-09-26.

Conditions:
Inborn genetic diseases. Identifiers: MedGen C0950123, MeSH D030342.
Brachyolmia-amelogenesis imperfecta syndrome. Also called: PLATYSPONDYLY WITH AMELOGENESIS IMPERFECTA; Tooth agenesis, selective, 6; Dental anomalies and short stature. Identifiers: Orphanet 2899, MedGen C1832594, MONDO:0011018, OMIM 601216. Disease mechanism: loss of function.

Allele frequency attached by ClinVar (database versions not stated): TOPMed 0.00001; gnomAD 0.00002; gnomAD exomes 0.00002.
gnomAD v4.1: 30 of 1,548,020 alleles (0.0019%); highest among the groups gnomAD compares: Non-Finnish European, 0.0024%; no homozygotes.

Submissions (2):

Ambry Genetics
Classification: Uncertain significance for Inborn genetic diseases. Last evaluated: 2022-09-26. Review status: criteria provided, single submitter. Criteria: Ambry Variant Classification Scheme 2023. Collection method: clinical testing. Allele origin: germline.
Comment: The p.R545H variant (also known as c.1634G>A), located in coding exon 11 of the LTBP3 gene, results from a G to A substitution at nucleotide position 1634. The arginine at codon 545 is replaced by histidine, an amino acid with highly similar properties. This amino acid position is conserved. In addition, this alteration is predicted to be tolerated by in silico analysis. Since supporting evidence is limited at this time, the clinical significance of this alteration remains unclear.

Labcorp Genetics (formerly Invitae), Labcorp
Classification: Uncertain significance for Brachyolmia-amelogenesis imperfecta syndrome. Last evaluated: 2021-05-03. Review status: criteria provided, single submitter. Criteria: Invitae Variant Classification Sherloc (09022015). Collection method: clinical testing. Allele origin: germline.
Comment: This sequence change replaces arginine with histidine at codon 545 of the LTBP3 protein (p.Arg545His). The arginine residue is moderately conserved and there is a small physicochemical difference between arginine and histidine. This variant is not present in population databases (ExAC no frequency). In summary, the available evidence is currently insufficient to determine the role of this variant in disease. Therefore, it has been classified as a Variant of Uncertain Significance. Algorithms developed to predict the effect of missense changes on protein structure and function are either unavailable or do not agree on the potential impact of this missense change (SIFT: "Tolerated"; PolyPhen-2: "Possibly Damaging"; Align-GVGD: "Class C0"). This variant has not been reported in the literature in individuals with LTBP3-related conditions.